The following is an entry in ClinVar:

NM_005477.3(HCN4):c.2003G>A (p.Arg668Gln)

Gene: HCN4 (hyperpolarization activated cyclic nucleotide gated potassium channel 4; minus strand). Cytogenetic location: 15q24.1.
Variant type: single nucleotide variant.
Coding change: c.2003G>A on transcript NM_005477.3 (MANE Select); coding-DNA position 2003, G replaced by A.
Protein change: p.Arg668Gln; replaces arginine 668 with glutamine.
Molecular consequence: missense variant.
Genome position (GRCh38, 1-based): chr15:73,324,229, C>T on the plus strand (G>A on the coding strand, the complement: HCN4 is on the minus strand). VCF-style: chr15-73324229-C-T. GRCh37 (hg19) VCF-style: chr15-73616570-C-T.
Other names: short protein forms R668Q.
Identifiers: ClinVar variation 392090 (VCV000392090.13), dbSNP rs757268783, ClinGen allele CA7649141.

ClinVar aggregate classification (germline): Uncertain significance. Review status: criteria provided, multiple submitters, no conflicts (2 of 4 stars). 3 submissions from 3 submitters: Uncertain significance (3). Last evaluated 2025-01-22.

Conditions:
Brugada syndrome 8 (BRGDA8). Identifiers: Orphanet 130, MedGen C2751083, MONDO:0013148, OMIM 613123.
Epilepsy, idiopathic generalized, susceptibility to, 18. Identifiers: MedGen C5561983, MONDO:0030434, OMIM 619521.
Sick sinus syndrome 2, autosomal dominant (SSS2). Also called: ATRIAL FIBRILLATION WITH BRADYARRHYTHMIA; SINUS BRADYCARDIA SYNDROME, FAMILIAL, AUTOSOMAL DOMINANT; SINUS NODE DISEASE, FAMILIAL, AUTOSOMAL DOMINANT; SICK SINUS SYNDROME 2; SICK SINUS SYNDROME 2 WITH OR WITHOUT CARDIAC NONCOMPACTION AND/OR ASCENDING AORTA DILATION. Identifiers: Orphanet 166282, MedGen C1834144, MONDO:0008102, OMIM 163800.

Allele frequency attached by ClinVar (database versions not stated): ExAC 0.00001; gnomAD 0.00001; gnomAD exomes 0.00001 and 0.00004; TOPMed 0.00001.

Submissions (3):

GeneDx
Classification: Uncertain significance. Last evaluated: 2025-01-22. Review status: criteria provided, single submitter. Criteria: GeneDx Variant Classification Process June 2021. Collection method: clinical testing. Allele origin: germline. Affected: yes.
Comment: Not observed at significant frequency in large population cohorts (gnomAD); In silico analysis supports that this missense variant has a deleterious effect on protein structure/function; Has not been previously published as pathogenic or benign to our knowledge

Labcorp Genetics (formerly Invitae), Labcorp
Classification: Uncertain significance for Brugada syndrome 8. Last evaluated: 2024-07-22. Review status: criteria provided, single submitter. Criteria: Invitae Variant Classification Sherloc (09022015). Collection method: clinical testing. Allele origin: germline.
Comment: This sequence change replaces arginine, which is basic and polar, with glutamine, which is neutral and polar, at codon 668 of the HCN4 protein (p.Arg668Gln). This variant is present in population databases (rs757268783, gnomAD 0.002%). This variant has not been reported in the literature in individuals affected with HCN4-related conditions. ClinVar contains an entry for this variant (Variation ID: 392090). Advanced modeling of protein sequence and biophysical properties (such as structural, functional, and spatial information, amino acid conservation, physicochemical variation, residue mobility, and thermodynamic stability) performed at Invitae indicates that this missense variant is expected to disrupt HCN4 protein function with a positive predictive value of 80%. In summary, the available evidence is currently insufficient to determine the role of this variant in disease. Therefore, it has been classified as a Variant of Uncertain Significance.

Fulgent Genetics
Classification: Uncertain significance for Sick sinus syndrome 2, autosomal dominant; Brugada syndrome 8; Epilepsy, idiopathic generalized, susceptibility to, 18. Last evaluated: 2024-04-02. Review status: criteria provided, single submitter. Criteria: ACMG Guidelines, 2015. Collection method: clinical testing. Allele origin: germline.